The following is an entry in ClinVar:

NM_004208.4(AIFM1):c.1227TGG[1] (p.Gly411del)

Genes: RAB33A (RAB33A, member RAS oncogene family; plus strand), AIFM1 (apoptosis inducing factor mitochondria associated 1; minus strand). Cytogenetic location: Xq26.1.
Variant type: Microsatellite.
Coding change: c.1227TGG[1] on transcript NM_004208.4 (MANE Select); one copy of the 3-base unit TGG starting at c.1227; the reference has two copies in a row; one copy, 3 bases deleted.
Protein change: p.Gly411del; deletes glycine 411.
Molecular consequence: inframe deletion. On other transcripts: 3 prime UTR variant (1), non-coding transcript variant (1).
Genome position (GRCh38, 1-based): chrX:130,136,118-130,136,120, CCA deleted on the plus strand (TGG on the coding strand, the reverse complement: AIFM1 is on the minus strand); deleting any 3 consecutive bases within chrX:130,136,118-130,136,123 gives the same sequence; the position shown is the placement nearest the transcript's 3' end. VCF-style (leftmost placement, unchanged base first): chrX-130136117-GCCA-G. GRCh37 (hg19) VCF-style: chrX-129270092-GCCA-G.
Other names: c.210TGG[1], p.Gly72del (NM_001130846.4); c.*455TGG[1] (NM_001130847.4); c.1215TGG[1], p.Gly407del (NM_145812.3); short protein forms G407del, G411del, G72del.
Identifiers: ClinVar variation 1179012 (VCV001179012.3), dbSNP rs2124651780, ClinGen allele CA2580612484.

ClinVar aggregate classification (germline): Uncertain significance (1 of 4 stars; one submission).

Conditions:
Severe X-linked mitochondrial encephalomyopathy. Also called: ENCEPHALOMYOPATHY, MITOCHONDRIAL, X-LINKED. Identifiers: Orphanet 238329, MedGen C3151753, MONDO:0010437, OMIM 300816.

Submission:

Center for Human Genetics and Genomic Medicine, Uniklinik Rwth Aachen
Classification: Uncertain significance for Severe X-linked mitochondrial encephalomyopathy. Last evaluated: 2021-07-14. Review status: criteria provided, single submitter. Criteria: ACMG Guidelines, 2015. Collection method: clinical testing. Allele origin: germline. Inheritance: X-linked recessive inheritance. Affected: yes. Observed: 1 variant allele, 1 hemizygote.
Comment: The variant is absent from population databases and it has not been reported in the literature. Segregation analysis has not yet been performed. An in-frame deletion in the AIFM1 gene has been described as being pathogenic. We have classified the variant as a "variant of unknown significance".